The following is an entry in ClinVar:

ClinVar aggregate classification (germline): Uncertain significance. Review status: criteria provided, multiple submitters, no conflicts (2 of 4 stars). 2 submissions from 2 submitters: Uncertain significance (2). Last evaluated 2024-11-25.

Conditions:
Inborn genetic diseases. Identifiers: MedGen C0950123, MeSH D030342.

Submissions (2):

Ambry Genetics
Classification: Uncertain significance for Inborn genetic diseases. Last evaluated: 2024-11-25. Review status: criteria provided, single submitter. Criteria: Ambry Variant Classification Scheme 2023. Collection method: clinical testing. Allele origin: germline.

Labcorp Genetics (formerly Invitae), Labcorp
Classification: Uncertain significance. Last evaluated: 2022-06-29. Review status: criteria provided, single submitter. Criteria: Invitae Variant Classification Sherloc (09022015). Collection method: clinical testing. Allele origin: germline.
Comment: This sequence change replaces glycine, which is neutral and non-polar, with arginine, which is basic and polar, at codon 84 of the TBXAS1 protein (p.Gly84Arg). This variant is not present in population databases (gnomAD no frequency). This variant has not been reported in the literature in individuals affected with TBXAS1-related conditions. Algorithms developed to predict the effect of missense changes on protein structure and function (SIFT, PolyPhen-2, Align-GVGD) all suggest that this variant is likely to be disruptive. In summary, the available evidence is currently insufficient to determine the role of this variant in disease. Therefore, it has been classified as a Variant of Uncertain Significance.

NM_001061.7(TBXAS1):c.247G>C (p.Gly83Arg)

Gene: TBXAS1 (thromboxane A synthase 1; plus strand). Cytogenetic location: 7q34.
Variant type: single nucleotide variant.
Coding change: c.247G>C on transcript NM_001061.7 (MANE Select); coding-DNA position 247, G replaced by C.
Protein change: p.Gly83Arg; replaces glycine 83 with arginine.
Molecular consequence: missense variant. On other transcripts: intron variant (1).
Genome position (GRCh38, 1-based): chr7:139,911,235, G>C. VCF-style: chr7-139911235-G-C. GRCh37 (hg19) VCF-style: chr7-139611034-G-C.
Other names: c.250G>C (NM_001061.4); c.247G>C, p.Gly83Arg (NM_001130966.5, NM_001166253.4, NM_001366538.2 and 1 more transcripts); c.46G>C, p.Gly16Arg (NM_001166254.4); c.190G>C, p.Gly64Arg (NM_001314028.4); c.151-24956G>C (NM_001366537.3); short protein forms G16R, G84R, G64R, G83R.
Identifiers: ClinVar variation 2192846 (VCV002192846.5), dbSNP rs2535581782, ClinGen allele CA369583289.
Genomic context (GRCh38, chr7:139,911,235, plus strand): 5'-GGAGAAATGGGTAATGCAACACATTTTAATGCATTTTTTATTCCTCCCAGGTACTATCTT[G>C]GTCGTCGGATGTTTATTGTTATTTCTGAGCCAGACATGATCAAGCAGGTGTTGGTTGAGA-3'
Protein context (NP_001052.3, residues 73-93): LYGPLCGYYL[Gly83Arg]RRMFIVISEP